The following is an entry in ClinVar:

NM_001321075.3(DLG4):c.1829G>T (p.Gly610Val)

Gene: DLG4 (discs large MAGUK scaffold protein 4; minus strand). Cytogenetic location: 17p13.1.
Variant type: single nucleotide variant.
Coding change: c.1829G>T on transcript NM_001321075.3 (MANE Select); coding-DNA position 1829, G replaced by T.
Protein change: p.Gly610Val; replaces glycine 610 with valine.
Molecular consequence: missense variant. On other transcripts: non-coding transcript variant (1).
Genome position (GRCh38, 1-based): chr17:7,192,982, C>A on the plus strand (G>T on the coding strand, the complement: DLG4 is on the minus strand). VCF-style: chr17-7192982-C-A. GRCh37 (hg19) VCF-style: chr17-7096301-C-A.
Other names: c.1820G>T, p.Gly607Val (NM_001128827.4); c.1949G>T, p.Gly650Val (NM_001321074.1); c.1649G>T, p.Gly550Val (NM_001321076.3, NM_001321077.3); c.1958G>T, p.Gly653Val (NM_001365.5); c.1748G>T, p.Gly583Val (NM_001369566.3); short protein forms G550V, G583V, G607V, G610V, G650V, G653V.
Identifiers: ClinVar variation 2498100 (VCV002498100.3), dbSNP rs2507918219, ClinGen allele CA397714654.

ClinVar aggregate classification (germline): Uncertain significance. Review status: criteria provided, multiple submitters, no conflicts (2 of 4 stars). 2 submissions from 2 submitters: Uncertain significance (2). Last evaluated 2024-07-04.

Conditions:
Intellectual developmental disorder 62. Also called: MENTAL RETARDATION, AUTOSOMAL DOMINANT 62; INTELLECTUAL DEVELOPMENTAL DISORDER, AUTOSOMAL DOMINANT 62. Identifiers: MedGen C5394083, MONDO:0032919, OMIM 618793.

Submissions (2):

Institute of Human Genetics, University of Leipzig Medical Center
Classification: Uncertain significance for Intellectual developmental disorder 62. Last evaluated: 2024-07-04. Review status: criteria provided, single submitter. Criteria: ACMG Guidelines, 2015. Collection method: clinical testing. Allele origin: unknown. Inheritance: Autosomal dominant inheritance. Affected: yes.
Comment: Criteria applied: PM2,PS2_SUP,PP2,PP3

Tumer Group, Copenhagen University Hospital, Rigshospitalet
Classification: Uncertain significance for Intellectual developmental disorder 62. Last evaluated: 2023-02-28. Review status: criteria provided, single submitter. Criteria: ACMG Guidelines, 2015. Collection method: research. Allele origin: de novo. Affected: yes.